The following is an entry in ClinVar:

NM_013437.5(LRP12):c.2482C>T (p.Arg828Cys)

Gene: LRP12 (LDL receptor related protein 12; minus strand). Cytogenetic location: 8q22.3.
Variant type: single nucleotide variant.
Coding change: c.2482C>T on transcript NM_013437.5 (MANE Select); coding-DNA position 2482, C replaced by T.
Protein change: p.Arg828Cys; replaces arginine 828 with cysteine.
Molecular consequence: missense variant.
Genome position (GRCh38, 1-based): chr8:104,490,771, G>A on the plus strand (C>T on the coding strand, the complement: LRP12 is on the minus strand). VCF-style: chr8-104490771-G-A. GRCh37 (hg19) VCF-style: chr8-105502999-G-A.
Other names: c.2425C>T, p.Arg809Cys (NM_001135703.3); short protein forms R809C, R828C.
Identifiers: ClinVar variation 2658741 (VCV002658741.24), dbSNP rs138849088, ClinGen allele CA4838715.

ClinVar aggregate classification (germline): Likely benign (1 of 4 stars; one submission).

Allele frequency attached by ClinVar (database versions not stated): 1000 Genomes Project 0.00020; ESP Exome Variant Server 0.00023; ExAC 0.00028; 1000 Genomes Project 30x 0.00031; gnomAD 0.00034; TOPMed 0.00034.
gnomAD v4.1: 854 of 1,614,036 alleles (0.053%); highest among the groups gnomAD compares: Non-Finnish European, 0.068%; no homozygotes.

Submission:

CeGaT Center for Human Genetics Tuebingen
Classification: Likely benign. Last evaluated: 2022-12-01. Review status: criteria provided, single submitter. Criteria: CeGaT Center For Human Genetics Tuebingen Variant Classification Criteria Version 2. Collection method: clinical testing. Allele origin: germline. Affected: yes. Observed: 2 variant alleles.
Comment: LRP12: BP4, BS1